The following is an entry in ClinVar:

ClinVar aggregate classification (germline): Uncertain significance (1 of 4 stars; one submission).

Conditions:
STT3B-congenital disorder of glycosylation. Also called: CDG Ix; STT3B-CDG; Congenital disorder of glycosylation type 1x. Identifiers: Orphanet 370924, MedGen C2931007, MONDO:0014271, OMIM 615597.

Allele frequency attached by ClinVar (database versions not stated): gnomAD exomes below 0.00001; TOPMed below 0.00001.
gnomAD v4.1: 2 of 1,613,768 alleles (0.00012%); highest among the groups gnomAD compares: Admixed American, 0.0017%; no homozygotes.

Submission:

Labcorp Genetics (formerly Invitae), Labcorp
Classification: Uncertain significance for STT3B-congenital disorder of glycosylation. Last evaluated: 2024-04-10. Review status: criteria provided, single submitter. Criteria: Invitae Variant Classification Sherloc (09022015). Collection method: clinical testing. Allele origin: germline.
Comment: This sequence change replaces isoleucine, which is neutral and non-polar, with valine, which is neutral and non-polar, at codon 166 of the STT3B protein (p.Ile166Val). This variant is not present in population databases (gnomAD no frequency). This variant has not been reported in the literature in individuals affected with STT3B-related conditions. Advanced modeling of protein sequence and biophysical properties (such as structural, functional, and spatial information, amino acid conservation, physicochemical variation, residue mobility, and thermodynamic stability) performed at Invitae indicates that this missense variant is not expected to disrupt STT3B protein function with a negative predictive value of 80%. In summary, the available evidence is currently insufficient to determine the role of this variant in disease. Therefore, it has been classified as a Variant of Uncertain Significance.

NM_178862.3(STT3B):c.496A>G (p.Ile166Val)

Gene: STT3B (STT3 oligosaccharyltransferase complex catalytic subunit B; plus strand). Cytogenetic location: 3p23.
Variant type: single nucleotide variant.
Coding change: c.496A>G on transcript NM_178862.3 (MANE Select); coding-DNA position 496, A replaced by G.
Protein change: p.Ile166Val; replaces isoleucine 166 with valine.
Molecular consequence: missense variant.
Genome position (GRCh38, 1-based): chr3:31,579,881, A>G. VCF-style: chr3-31579881-A-G. GRCh37 (hg19) VCF-style: chr3-31621373-A-G.
Other names: short protein forms I166V.
Identifiers: ClinVar variation 3017234 (VCV003017234.3), dbSNP rs1698346017, ClinGen allele CA351814736.